The following is an entry in ClinVar:

ClinVar aggregate classification (germline): Likely benign. Review status: criteria provided, multiple submitters, no conflicts (2 of 4 stars). 4 submissions from 4 submitters: Likely benign (3). 1 of the submissions does not count toward it. Last evaluated 2026-05-01.

Conditions:
GLI3-related disorder. Also called: GLI3-related condition; GLI3-related disorders. Identifiers: MedGen CN239292.
Pallister-Hall syndrome (PHS). Also called: GLI3-Related Pallister-Hall Syndrome; HYPOTHALAMIC HAMARTOBLASTOMA, HYPOPITUITARISM, IMPERFORATE ANUS, AND POSTAXIAL POLYDACTYLY. Identifiers: Orphanet 672, MedGen C0265220, MONDO:0007804, OMIM 146510.
Greig cephalopolysyndactyly syndrome (GCPS). Also called: Greig syndrome; GLI3-Related Greig Cephalopolysyndactyly Syndrome; POLYSYNDACTYLY WITH PECULIAR SKULL SHAPE. Identifiers: Orphanet 380, MedGen C0265306, MONDO:0008287, OMIM 175700.

Allele frequency attached by ClinVar (database versions not stated): gnomAD 0.00001; gnomAD exomes 0.00003 and 0.00012; TOPMed 0.00006; ExAC 0.00012.
gnomAD v4.1: 50 of 1,613,672 alleles (0.0031%); highest among the groups gnomAD compares: Admixed American, 0.043%; 1 homozygote.

Submissions (4):

CeGaT Center for Human Genetics Tuebingen
Classification: Likely benign. Last evaluated: 2026-05-01. Review status: criteria provided, single submitter. Criteria: CeGaT Center For Human Genetics Tuebingen Variant Classification Criteria Version 2. Collection method: clinical testing. Allele origin: germline. Affected: yes. Observed: 1 variant allele.
Comment: GLI3: BS2

Labcorp Genetics (formerly Invitae), Labcorp
Classification: Likely benign for Pallister-Hall syndrome; Greig cephalopolysyndactyly syndrome. Last evaluated: 2024-11-05. Review status: criteria provided, single submitter. Criteria: Invitae Variant Classification Sherloc (09022015). Collection method: clinical testing. Allele origin: germline.

Breakthrough Genomics
Classification: Likely benign. Review status: criteria provided, single submitter. Criteria: ACMG Guidelines, 2015. Collection method: not provided. Allele origin: germline. Inheritance: Autosomal dominant inheritance. Affected: yes.

PreventionGenetics, part of Exact Sciences
Classification: Likely benign for GLI3-related condition. Last evaluated: 2024-03-06. Review status: no assertion criteria provided. Collection method: clinical testing. Allele origin: germline. Not counted in ClinVar's aggregate classification.
Comment: This variant is classified as likely benign based on ACMG/AMP sequence variant interpretation guidelines (Richards et al. 2015 PMID: 25741868, with internal and published modifications).

NM_000168.6(GLI3):c.901G>A (p.Asp301Asn)

Gene: GLI3 (GLI family zinc finger 3; minus strand). Cytogenetic location: 7p14.1.
Variant type: single nucleotide variant.
Coding change: c.901G>A on transcript NM_000168.6 (MANE Select); coding-DNA position 901, G replaced by A.
Protein change: p.Asp301Asn; replaces aspartic acid 301 with asparagine.
Molecular consequence: missense variant.
Genome position (GRCh38, 1-based): chr7:42,040,165, C>T on the plus strand (G>A on the coding strand, the complement: GLI3 is on the minus strand). VCF-style: chr7-42040165-C-T. GRCh37 (hg19) VCF-style: chr7-42079764-C-T.
Other names: c.901G>A (NM_000168.5); short protein forms D301N.
Identifiers: ClinVar variation 1122316 (VCV001122316.13), dbSNP rs752246768, ClinGen allele CA4231023.